The following is an entry in ClinVar:

NM_024865.4(NANOG):c.912C>T (p.Asp304=)

Gene: NANOG (Nanog homeobox; plus strand). Cytogenetic location: 12p13.31.
Variant type: single nucleotide variant.
Coding change: c.912C>T on transcript NM_024865.4 (MANE Select); coding-DNA position 912, C replaced by T.
Protein change: p.Asp304=; no amino-acid change (aspartic acid 304 retained).
Molecular consequence: synonymous variant.
Genome position (GRCh38, 1-based): chr12:7,795,089, C>T. VCF-style: chr12-7795089-C-T. GRCh37 (hg19) VCF-style: chr12-7947685-C-T.
Other names: c.864C>T, p.Asp288= (NM_001297698.2).
Identifiers: ClinVar variation 2642682 (VCV002642682.24), dbSNP rs778880176, ClinGen allele CA6430110.

ClinVar aggregate classification (germline): Likely benign (1 of 4 stars; one submission).

Allele frequency attached by ClinVar (database versions not stated): gnomAD 0.00001; ExAC 0.00003.

Submission:

CeGaT Center for Human Genetics Tuebingen
Classification: Likely benign. Last evaluated: 2022-12-01. Review status: criteria provided, single submitter. Criteria: CeGaT Center For Human Genetics Tuebingen Variant Classification Criteria Version 2. Collection method: clinical testing. Allele origin: germline. Affected: yes. Observed: 1 variant allele.
Comment: NANOG: BP4, BP7